The following is an entry in ClinVar:

ClinVar aggregate classification (germline): Conflicting classifications of pathogenicity. Review status: criteria provided, conflicting classifications (1 of 4 stars). 3 submissions from 3 submitters: Likely pathogenic (2); Uncertain significance (1). Last evaluated 2022-10-07.

Conditions:
Microcephaly 1, primary, autosomal recessive (MCPH1). Also called: PREMATURE CHROMOSOME CONDENSATION SYNDROME; PCC SYNDROME; PREMATURE CHROMOSOME CONDENSATION WITH MICROCEPHALY AND MENTAL RETARDATION. Identifiers: Orphanet 2512, MedGen C1855081, MONDO:0009617, OMIM 251200.

Allele frequency attached by ClinVar (database versions not stated): gnomAD exomes below 0.00001; ExAC 0.00001; gnomAD 0.00001 and 0.00002; TOPMed 0.00001; 1000 Genomes Project 30x 0.00016; 1000 Genomes Project 0.00020.
gnomAD v4.1: 5 of 1,612,962 alleles (0.00031%); highest among the groups gnomAD compares: Admixed American, 0.0083%; no homozygotes.

Submissions (3):

Labcorp Genetics (formerly Invitae), Labcorp
Classification: Uncertain significance. Last evaluated: 2022-10-07. Review status: criteria provided, single submitter. Criteria: Invitae Variant Classification Sherloc (09022015). Collection method: clinical testing. Allele origin: germline.
Comment: This sequence change affects a donor splice site in intron 12 of the MCPH1 gene. However, it is currently unclear if variants that occur in this region of the gene cause disease. This variant is present in population databases (rs575037500, gnomAD 0.003%). This variant has not been reported in the literature in individuals affected with MCPH1-related conditions. ClinVar contains an entry for this variant (Variation ID: 873472). Algorithms developed to predict the effect of sequence changes on RNA splicing suggest that this variant may disrupt the consensus splice site. In summary, the available evidence is currently insufficient to determine the role of this variant in disease. Therefore, it has been classified as a Variant of Uncertain Significance.

GeneDx
Classification: Likely pathogenic. Last evaluated: 2021-01-15. Review status: criteria provided, single submitter. Criteria: GeneDx Variant Classification Process June 2021. Collection method: clinical testing. Allele origin: germline. Affected: yes.
Comment: Canonical splice site variant expected to result in aberrant splicing, though splice outcome is unknown; Not observed at a significant frequency in large population cohorts (Lek et al., 2016); Has not been previously published as pathogenic or benign to our knowledge

UNC Molecular Genetics  Laboratory, University of North Carolina at Chapel Hill
Classification: Likely pathogenic for Primary autosomal recessive microcephaly 1. Review status: criteria provided, single submitter. Criteria: ACMG Guidelines, 2015. Collection method: research. Allele origin: germline. Affected: no. Observed: 1 variant allele. Study: NSIGHT-NC NEXUS.
Comment: The MCPH1 c.2214+2T>C (p.?) variant is predicted to disrupt a splice site.

carrier finding

NM_024596.5(MCPH1):c.2214+2T>C

Genes: MCPH1 (microcephalin 1; plus strand), ANGPT2 (angiopoietin 2; minus strand). Cytogenetic location: 8p23.1.
Variant type: single nucleotide variant.
Coding change: c.2214+2T>C on transcript NM_024596.5 (MANE Select); the canonical splice donor site of the intron after coding-DNA position 2214, T replaced by C.
Molecular consequence: splice donor variant. On other transcripts: 3 prime UTR variant (6), intron variant (1).
Genome position (GRCh38, 1-based): chr8:6,499,931, T>C. VCF-style: chr8-6499931-T-C. GRCh37 (hg19) VCF-style: chr8-6357452-T-C.
Other names: c.*3170A>G (NM_001118887.2, NM_001118888.2, NM_001147.3 and 1 more transcripts); c.*3318A>G (NM_001386336.1, NM_001386337.1); c.2214+2T>C (NM_001322042.2, NM_001363979.1, NM_001410917.1 and 1 more transcripts); c.1935+44679T>C (NM_001363980.2).
Identifiers: ClinVar variation 873472 (VCV000873472.7), dbSNP rs575037500, ClinGen allele CA4610864.
Genomic context (GRCh38, chr8:6,499,931, plus strand): 5'-TGGGTCACTGGATTTCTGAGGAGCCGTTCGAACTGTCTCACCACTTCCCTGCAGCTCCCG[T>C]AAGTCAGATGTTGTTTTACGATGGTAAATGCAGTTTGCTGTTCTCAAGAAATTATTATAA-3'